The following is an entry in ClinVar:

NM_001844.5(COL2A1):c.2920del (p.Gln974fs)

Gene: COL2A1 (collagen type II alpha 1 chain; minus strand). Cytogenetic location: 12q13.11.
Variant type: Deletion.
Coding change: c.2920del on transcript NM_001844.5 (MANE Select); coding-DNA position 2920, one base deleted (C; older notation c.2920delC).
Protein change: p.Gln974fs; shifts the reading frame from glutamine 974.
Molecular consequence: frameshift variant.
Genome position (GRCh38, 1-based): chr12:47,978,374, G deleted on the plus strand (C on the coding strand, the reverse complement: COL2A1 is on the minus strand); the first of 4 consecutive G bases (chr12:47,978,374-47,978,377); deleting any one gives the same sequence. VCF-style (leftmost placement, unchanged base first): chr12-47978373-TG-T. GRCh37 (hg19) VCF-style: chr12-48372156-TG-T.
Other names: c.2713del, p.Gln905fs (NM_033150.3); short protein forms Q905fs, Q974fs.
Identifiers: ClinVar variation 1805230 (VCV001805230.2), dbSNP rs2540111978, ClinGen allele CA2573050748.

ClinVar aggregate classification (germline): Pathogenic/Likely pathogenic. Review status: criteria provided, multiple submitters, no conflicts (2 of 4 stars). 2 submissions from 2 submitters: Pathogenic (1); Likely pathogenic (1). Last evaluated 2022-02-02.

Conditions:
Stickler syndrome type 1 (STL1). Also called: STICKLER SYNDROME, MEMBRANOUS VITREOUS TYPE; STICKLER SYNDROME, VITREOUS TYPE 1; ARTHROOPHTHALMOPATHY, HEREDITARY PROGRESSIVE; COL2A1-Related Stickler Syndrome. Identifiers: Orphanet 828, Orphanet 90653, MedGen C2020284, MONDO:0007160, OMIM 108300.
COL2A1-related disorder. Also called: COL2A1-related condition; COL2A1-related disorders.

Submissions (2):

Victorian Clinical Genetics Services, Murdoch Childrens Research Institute
Classification: Pathogenic for Stickler syndrome type 1. Last evaluated: 2022-02-02. Review status: criteria provided, single submitter. Criteria: ACMG Guidelines, 2015. Collection method: clinical testing. Allele origin: germline. Inheritance: Autosomal dominant inheritance.
Comment: Based on the classification scheme VCGS_Germline_v1.3.4, this variant is classified as Pathogenic. Following criteria are met: 0103 - Dominant negative and loss of function are known mechanisms of disease in this gene. Loss of function is associated with Stickler Syndrome while missense variants affecting glycine residue exert dominant-negative effect and is commonly associated with spondyloepiphyseal dysplasia (PMIDs: 15895462, 27234559). (I) 0107 - This gene is associated with autosomal dominant disease. (I) 0115 - Variants in this gene are known to have variable expressivity. Intra- and inter-familial phenotypic variability and expressivity has been reported (GeneReviews). (I) 0201 - Variant is predicted to cause nonsense-mediated decay (NMD) and loss of protein (premature termination codon is located at least 54 nucleotides upstream of the final exon-exon junction). (SP) 0251 - This variant is heterozygous. (I) 0301 - Variant is absent from gnomAD (both v2 and v3). (SP) 0701 - Other null variants comparable to the one identified in this case have very strong previous evidence for pathogenicity. There are a large number of NMD-predicted variants that have been classified as pathogenic or likely pathogenic (DECIPHER). (SP) 0807 - This variant has no previous evidence of pathogenicity. (I) 0905 - No published segregation evidence has been identified for this variant. (I) 1007 - No published functional evidence has been identified for this variant. (I) 1208 - Inheritance information for this variant is not currently available in this individual. (I) Legend: (SP) - Supporting pathogenic, (I) - Information, (SB) - Supporting benign

Blueprint Genetics
Classification: Likely pathogenic for COL2A1-related disorders. Last evaluated: 2021-03-03. Review status: criteria provided, single submitter. Criteria: ACMG Guidelines, 2015. Collection method: clinical testing. Allele origin: germline. Affected: yes. Observed: 1 variant allele.

Literature cited by the submitters: PubMed 15895462 (cited by Victorian Clinical Genetics Services, Murdoch Childrens Research Institute); PubMed 27234559 (cited by Victorian Clinical Genetics Services, Murdoch Childrens Research Institute).